The following is an entry in ClinVar:

ClinVar aggregate classification (germline): Uncertain significance. Review status: criteria provided, multiple submitters, no conflicts (2 of 4 stars). 2 submissions from 2 submitters: Uncertain significance (2). Last evaluated 2021-11-28.

Conditions:
Cardiovascular phenotype. Identifiers: MedGen CN230736.
Hypertrophic cardiomyopathy 14. Identifiers: MedGen C2750467, MONDO:0013197, OMIM 613251.

Submissions (2):

Labcorp Genetics (formerly Invitae), Labcorp
Classification: Uncertain significance for Hypertrophic cardiomyopathy 14. Last evaluated: 2021-11-28. Review status: criteria provided, single submitter. Criteria: Invitae Variant Classification Sherloc (09022015). Collection method: clinical testing. Allele origin: germline.
Comment: This sequence change replaces histidine, which is basic and polar, with tyrosine, which is neutral and polar, at codon 252 of the MYH6 protein (p.His252Tyr). This variant is not present in population databases (gnomAD no frequency). This variant has not been reported in the literature in individuals affected with MYH6-related conditions. Algorithms developed to predict the effect of missense changes on protein structure and function are either unavailable or do not agree on the potential impact of this missense change (SIFT: "Deleterious"; PolyPhen-2: "Probably Damaging"; Align-GVGD: "Class C0"). In summary, the available evidence is currently insufficient to determine the role of this variant in disease. Therefore, it has been classified as a Variant of Uncertain Significance.

Ambry Genetics
Classification: Uncertain significance for Cardiovascular phenotype. Last evaluated: 2019-05-03. Review status: criteria provided, single submitter. Criteria: Ambry Variant Classification Scheme 2023. Collection method: clinical testing. Allele origin: germline.
Comment: The p.H252Y variant (also known as c.754C>T), located in coding exon 7 of the MYH6 gene, results from a C to T substitution at nucleotide position 754. The histidine at codon 252 is replaced by tyrosine, an amino acid with similar properties. An alternate amino acid substitution at this position, p.H252Q, has been reported in a congenital heart defect cohort and a sudden infant death case; however, clinical details were limited (Granados-Riveron JT et al. Hum. Mol. Genet., 2010 Oct;19:4007-16; Hertz CL et al. Eur. J. Hum. Genet., 2016 06;24:817-22). This amino acid position is highly conserved in available vertebrate species. In addition, the in silico prediction for this alteration is inconclusive. Since supporting evidence is limited at this time, the clinical significance of this alteration remains unclear.

Literature cited by the submitters: PubMed 20656787 (cited by Ambry Genetics); PubMed 26350513 (cited by Ambry Genetics).

NM_002471.4(MYH6):c.754C>T (p.His252Tyr)

Gene: MYH6 (myosin heavy chain 6; minus strand). Cytogenetic location: 14q11.2.
Variant type: single nucleotide variant.
Coding change: c.754C>T on transcript NM_002471.4 (MANE Select); coding-DNA position 754, C replaced by T.
Protein change: p.His252Tyr; replaces histidine 252 with tyrosine.
Molecular consequence: missense variant.
Genome position (GRCh38, 1-based): chr14:23,403,760, G>A on the plus strand (C>T on the coding strand, the complement: MYH6 is on the minus strand). VCF-style: chr14-23403760-G-A. GRCh37 (hg19) VCF-style: chr14-23872969-G-A.
Other names: short protein forms H252Y.
Identifiers: ClinVar variation 1481286 (VCV001481286.8), dbSNP rs1595063510, ClinGen allele CA389028698.